The following is an entry in ClinVar:

NM_001347721.2(DYRK1A):c.1852C>T (p.Arg618Trp)

Gene: DYRK1A (dual specificity tyrosine phosphorylation regulated kinase 1A; plus strand). Cytogenetic location: 21q22.13.
Variant type: single nucleotide variant.
Coding change: c.1852C>T on transcript NM_001347721.2 (MANE Select); coding-DNA position 1852, C replaced by T.
Protein change: p.Arg618Trp; replaces arginine 618 with tryptophan.
Molecular consequence: missense variant. On other transcripts: 3 prime UTR variant (2).
Genome position (GRCh38, 1-based): chr21:37,512,118, C>T. VCF-style: chr21-37512118-C-T. GRCh37 (hg19) VCF-style: chr21-38884421-C-T.
Other names: c.1852C>T, p.Arg618Trp (NM_001347722.2, NM_130436.2); c.1765C>T, p.Arg589Trp (NM_001347723.2); c.1879C>T, p.Arg627Trp (NM_001396.5); c.*255C>T (NM_101395.2); c.*164C>T (NM_130438.2); short protein forms R589W, R618W, R627W.
Identifiers: ClinVar variation 1052055 (VCV001052055.22), dbSNP rs758367401, ClinGen allele CA10024120.

ClinVar aggregate classification (germline): Benign/Likely benign. Review status: criteria provided, multiple submitters, no conflicts (2 of 4 stars). 2 submissions from 2 submitters: Benign (1); Likely benign (1). Last evaluated 2025-02-01.

Conditions:
DYRK1A-related intellectual disability syndrome (MRD7). Also called: DYRK1A Syndrome; Intellectual developmental disorder, autosomal dominant 7. Identifiers: Orphanet 464306, MedGen C5568143, MONDO:0013578, OMIM 614104.

Allele frequency attached by ClinVar (database versions not stated): TOPMed 0.00001; gnomAD 0.00002; gnomAD exomes 0.00002; ExAC 0.00004.
gnomAD v4.1: 35 of 1,614,054 alleles (0.0022%); highest among the groups gnomAD compares: Non-Finnish European, 0.0026%; no homozygotes.

Submissions (2):

CeGaT Center for Human Genetics Tuebingen
Classification: Likely benign. Last evaluated: 2025-02-01. Review status: criteria provided, single submitter. Criteria: CeGaT Center For Human Genetics Tuebingen Variant Classification Criteria Version 2. Collection method: clinical testing. Allele origin: germline. Affected: yes. Observed: 1 variant allele.
Comment: DYRK1A: BS2

Labcorp Genetics (formerly Invitae), Labcorp
Classification: Benign for DYRK1A-related intellectual disability syndrome. Last evaluated: 2024-02-06. Review status: criteria provided, single submitter. Criteria: Invitae Variant Classification Sherloc (09022015). Collection method: clinical testing. Allele origin: germline.